The following is an entry in ClinVar:

ClinVar aggregate classification (germline): Uncertain significance. Review status: criteria provided, multiple submitters, no conflicts (2 of 4 stars). 3 submissions from 3 submitters: Uncertain significance (3). Last evaluated 2026-08-10.

Conditions:
Cardiovascular phenotype. Identifiers: MedGen CN230736.
Long QT syndrome (LQTS). Identifiers: MedGen C0023976, MeSH D008133, MONDO:0002442. Disease mechanism: loss of function. Inheritance: Various modes of inheritance.

Allele frequency attached by ClinVar (database versions not stated): gnomAD 0.00006 and 0.00005; TOPMed 0.00011; ExAC 0.00002; gnomAD exomes 0.00004.
gnomAD v4.1: 59 of 1,613,776 alleles (0.0037%); highest among the groups gnomAD compares: Admixed American, 0.017%; no homozygotes.

Submissions (3):

GeneDx
Classification: Uncertain significance. Last evaluated: 2026-08-10. Review status: criteria provided, single submitter. Criteria: GeneDx Variant Classification Process June 2021. Collection method: clinical testing. Allele origin: germline.
Comment: Has not been previously published as pathogenic or benign to our knowledge; In silico analysis supports that this missense variant has a deleterious effect on protein structure/function; Variants in candidate genes are classified as variants of uncertain significance in accordance with ACMG guidelines (PMID: 25741868)

Labcorp Genetics (formerly Invitae), Labcorp
Classification: Uncertain significance for Long QT syndrome. Last evaluated: 2025-02-23. Review status: criteria provided, single submitter. Criteria: Invitae Variant Classification Sherloc (09022015). Collection method: clinical testing. Allele origin: germline.
Comment: This sequence change replaces lysine, which is basic and polar, with glutamic acid, which is acidic and polar, at codon 37 of the AKAP9 protein (p.Lys37Glu). This variant is present in population databases (rs752156538, gnomAD 0.01%). This variant has not been reported in the literature in individuals affected with AKAP9-related conditions. ClinVar contains an entry for this variant (Variation ID: 190516). An algorithm developed to predict the effect of missense changes on protein structure and function (PolyPhen-2) suggests that this variant is likely to be disruptive. In summary, the available evidence is currently insufficient to determine the role of this variant in disease. Therefore, it has been classified as a Variant of Uncertain Significance.

Ambry Genetics
Classification: Uncertain significance for Cardiovascular phenotype. Last evaluated: 2025-01-16. Review status: criteria provided, single submitter. Criteria: Ambry Variant Classification Scheme 2023. Collection method: clinical testing. Allele origin: germline.

NM_005751.5(AKAP9):c.109A>G (p.Lys37Glu)

Gene: AKAP9 (A-kinase anchoring protein 9; plus strand). Cytogenetic location: 7q21.2.
Variant type: single nucleotide variant.
Coding change: c.109A>G on transcript NM_005751.5 (MANE Select); coding-DNA position 109, A replaced by G.
Protein change: p.Lys37Glu; replaces lysine 37 with glutamic acid.
Molecular consequence: missense variant.
Genome position (GRCh38, 1-based): chr7:91,973,771, A>G. VCF-style: chr7-91973771-A-G. GRCh37 (hg19) VCF-style: chr7-91603085-A-G.
Other names: p.K37E:AAA>GAA; c.109A>G, p.Lys37Glu (NM_147185.3); short protein forms K37E.
Identifiers: ClinVar variation 190516 (VCV000190516.14), dbSNP rs752156538, ClinGen allele CA300675.